The following is an entry in ClinVar:

ClinVar aggregate classification (germline): Pathogenic (1 of 4 stars; one submission).

Conditions:
Hereditary cancer-predisposing syndrome. Also called: Neoplastic Syndromes, Hereditary; Tumor predisposition; Hereditary neoplastic syndrome; Hereditary Cancer Syndrome. Identifiers: Orphanet 140162, MedGen C0027672, MeSH D009386, MONDO:0015356.

Submission:

Ambry Genetics
Classification: Pathogenic for Hereditary cancer-predisposing syndrome. Last evaluated: 2023-02-28. Review status: criteria provided, single submitter. Criteria: Ambry Variant Classification Scheme 2023. Collection method: clinical testing. Allele origin: germline.
Comment: The c.541_542dupAA pathogenic mutation, located in coding exon 4 of the STK11 gene, results from a duplication of AA at nucleotide position 541, causing a translational frameshift with a predicted alternate stop codon (p.N181Kfs*107). This variant is considered to be rare based on population cohorts in the Genome Aggregation Database (gnomAD). This alteration is expected to result in loss of function by premature protein truncation or nonsense-mediated mRNA decay. As such, this alteration is interpreted as a disease-causing mutation.

NM_000455.5(STK11):c.541_542dup (p.Asn181fs)

Gene: STK11 (serine/threonine kinase 11; plus strand). Cytogenetic location: 19p13.3.
Variant type: Duplication.
Coding change: c.541_542dup on transcript NM_000455.5 (MANE Select); coding-DNA positions 541 to 542, 2 bases duplicated (AA; older notation c.541_542dupAA).
Protein change: p.Asn181fs; shifts the reading frame from asparagine 181.
Molecular consequence: frameshift variant. On other transcripts: non-coding transcript variant (1).
Genome position (GRCh38, 1-based): chr19:1,220,449-1,220,450, AA duplicated. VCF-style (leftmost placement, unchanged base first): chr19-1220448-G-GAA. GRCh37 (hg19) VCF-style: chr19-1220447-G-GAA.
Other names: c.541_542dup, p.Asn181fs (NM_001407255.1); c.541_542dupAA (NM_000455.4); short protein forms N181fs.
Identifiers: ClinVar variation 2452000 (VCV002452000.2), dbSNP rs2512942783, ClinGen allele CA2580096068.